The following is an entry in ClinVar:

ClinVar aggregate classification (germline): Uncertain significance (1 of 4 stars; one submission).

Submission:

Labcorp Genetics (formerly Invitae), Labcorp
Classification: Uncertain significance. Last evaluated: 2021-06-24. Review status: criteria provided, single submitter. Criteria: Invitae Variant Classification Sherloc (09022015). Collection method: clinical testing. Allele origin: germline.
Comment: In summary, the available evidence is currently insufficient to determine the role of this variant in disease. Therefore, it has been classified as a Variant of Uncertain Significance. This variant disrupts the p.Ser334 amino acid residue in WISP3. Other variant(s) that disrupt this residue have been determined to be pathogenic (PMID: 15631777, 22685593). This suggests that this residue is clinically significant, and that variants that disrupt this residue are likely to be disease-causing. Algorithms developed to predict the effect of missense changes on protein structure and function are either unavailable or do not agree on the potential impact of this missense change (SIFT: "Tolerated"; PolyPhen-2: "Probably Damaging"; Align-GVGD: "Class C0"). This variant has not been reported in the literature in individuals affected with WISP3-related conditions. This variant is not present in population databases (ExAC no frequency). This sequence change replaces serine with threonine at codon 334 of the WISP3 protein (p.Ser334Thr). The serine residue is moderately conserved and there is a small physicochemical difference between serine and threonine.

Literature cited by the submitters: PubMed 15631777; PubMed 22685593.

NM_198239.2(CCN6):c.1000T>A (p.Ser334Thr)

Gene: CCN6 (cellular communication network factor 6; plus strand). Cytogenetic location: 6q21.
Variant type: single nucleotide variant.
Coding change: c.1000T>A on transcript NM_198239.2 (MANE Select); coding-DNA position 1000, T replaced by A.
Protein change: p.Ser334Thr; replaces serine 334 with threonine.
Molecular consequence: missense variant. On other transcripts: non-coding transcript variant (2).
Genome position (GRCh38, 1-based): chr6:112,069,555, T>A. VCF-style: chr6-112069555-T-A. GRCh37 (hg19) VCF-style: chr6-112390758-T-A.
Other names: c.1000T>A, p.Ser334Thr (NM_003880.4); short protein forms S334T.
Identifiers: ClinVar variation 1680476 (VCV001680476.8), dbSNP rs121908903, ClinGen allele CA365376698.